The following is an entry in ClinVar:

NM_006206.6(PDGFRA):c.3242C>G (p.Ser1081Ter)

Gene: PDGFRA (platelet derived growth factor receptor alpha; plus strand). Cytogenetic location: 4q12.
Variant type: single nucleotide variant.
Coding change: c.3242C>G on transcript NM_006206.6 (MANE Select); coding-DNA position 3242, C replaced by G.
Protein change: p.Ser1081Ter; replaces serine 1081 with a stop codon.
Molecular consequence: nonsense.
Genome position (GRCh38, 1-based): chr4:54,295,244, C>G. VCF-style: chr4-54295244-C-G. GRCh37 (hg19) VCF-style: chr4-55161411-C-G.
Other names: c.3317C>G, p.Ser1106Ter (NM_001347828.2); c.3242C>G, p.Ser1081Ter (NM_001347829.2); c.3281C>G, p.Ser1094Ter (NM_001347830.2); short protein forms S1106*, S1081*, S1094*.
Identifiers: ClinVar variation 2799242 (VCV002799242.3), dbSNP rs1724828300, ClinGen allele CA356896704.

ClinVar aggregate classification (germline): Uncertain significance. Review status: criteria provided, multiple submitters, no conflicts (2 of 4 stars). 2 submissions from 2 submitters: Uncertain significance (2). Last evaluated 2025-10-02.

Conditions:
Gastrointestinal stromal tumor. Also called: Gastrointestinal stromal tumor, somatic; Gastrointestinal stroma tumor. Identifiers: Orphanet 44890, MedGen C0238198, MeSH D046152, MONDO:0011719, OMIM 606764, HP:0100723.
Hereditary cancer-predisposing syndrome. Also called: Neoplastic Syndromes, Hereditary; Tumor predisposition; Hereditary Cancer Syndrome; Hereditary neoplastic syndrome. Identifiers: Orphanet 140162, MedGen C0027672, MeSH D009386, MONDO:0015356.

Submissions (2):

Ambry Genetics
Classification: Uncertain significance for Hereditary cancer-predisposing syndrome. Last evaluated: 2025-10-02. Review status: criteria provided, single submitter. Criteria: Ambry Variant Classification Scheme 2023. Collection method: clinical testing. Allele origin: germline.
Comment: The p.S1081* variant (also known as c.3242C>G), located in coding exon 22 of the PDGFRA gene, results from a C to G substitution at nucleotide position 3242. This changes the amino acid from a serine to a stop codon within coding exon 22. This alteration occurs at the 3' terminus of the gene and is not expected to trigger nonsense-mediated mRNA decay. Based on the available evidence, the clinical significance of this alteration remains unclear.

Labcorp Genetics (formerly Invitae), Labcorp
Classification: Uncertain significance for Gastrointestinal stromal tumor. Last evaluated: 2024-09-12. Review status: criteria provided, single submitter. Criteria: Invitae Variant Classification Sherloc (09022015). Collection method: clinical testing. Allele origin: germline.
Comment: This sequence change creates a premature translational stop signal (p.Ser1081*) in the PDGFRA gene. While this is not anticipated to result in nonsense mediated decay, it is expected to disrupt the last 9 amino acid(s) of the PDGFRA protein. This variant is not present in population databases (gnomAD no frequency). This variant has not been reported in the literature in individuals affected with PDGFRA-related conditions. Experimental studies and prediction algorithms are not available or were not evaluated, and the functional significance of this variant is currently unknown. In summary, the available evidence is currently insufficient to determine the role of this variant in disease. Therefore, it has been classified as a Variant of Uncertain Significance.